The following is an entry in ClinVar:

NM_001370259.2(MEN1):c.1758G>A (p.Gln586=)

Gene: MEN1 (menin 1; minus strand). Cytogenetic location: 11q13.1.
Variant type: single nucleotide variant.
Coding change: c.1758G>A on transcript NM_001370259.2 (MANE Select); coding-DNA position 1758, G replaced by A.
Protein change: p.Gln586=; no amino-acid change (glutamine 586 retained).
Molecular consequence: synonymous variant.
Genome position (GRCh38, 1-based): chr11:64,804,409, C>T on the plus strand (G>A on the coding strand, the complement: MEN1 is on the minus strand). VCF-style: chr11-64804409-C-T. GRCh37 (hg19) VCF-style: chr11-64571881-C-T.
Other names: c.1773G>A, p.Gln591= (NM_000244.4, NM_130800.3, NM_130801.3 and 3 more transcripts); c.1884G>A, p.Gln628= (NM_001370251.2); c.1758G>A, p.Gln586= (NM_001370260.2, NM_001370261.2, NM_130799.3); c.1653G>A, p.Gln551= (NM_001370262.2, NM_001370263.2).
Identifiers: ClinVar variation 527305 (VCV000527305.12), dbSNP rs759563305, ClinGen allele CA060941.
Genomic context (GRCh38, chr11:64,804,409, plus strand): 5'-CTGCCGCTTGAGGAAAGACAGAGTGTAGTCACTAGGGGTGGACACTTTCTGCTTCTTCAT[C>T]TGCACTTGCGACTGTGCCGTGAGTTGCAGCTTGATGGCGCTCGAGTTGATCTTGGTGGCC-3'
Protein context (NP_001357188.2, residues 576-596): KLQLTAQSQV[Gln586=]MKKQKVSTPS

ClinVar aggregate classification (germline): Benign/Likely benign. Review status: criteria provided, multiple submitters, no conflicts (2 of 4 stars). 4 submissions from 4 submitters: Benign (1); Likely benign (3). Last evaluated 2026-01-20.

Conditions:
Hereditary cancer-predisposing syndrome. Also called: Neoplastic Syndromes, Hereditary; Tumor predisposition; Hereditary neoplastic syndrome; Hereditary Cancer Syndrome. Identifiers: Orphanet 140162, MedGen C0027672, MeSH D009386, MONDO:0015356.
Multiple endocrine neoplasia, type 1 (MEN1). Also called: MEN I; WERMER SYNDROME; Endocrine adenomatosis multiple; MEN 1; MEA I. Identifiers: Orphanet 652, MedGen C0025267, MeSH D018761, MONDO:0007540, OMIM 131100.

Allele frequency attached by ClinVar (database versions not stated): gnomAD exomes 0.00001; ExAC 0.00002.
gnomAD v4.1: 7 of 1,614,208 alleles (0.00043%); highest among the groups gnomAD compares: Non-Finnish European, 0.00042%; no homozygotes.

Submissions (4):

Labcorp Genetics (formerly Invitae), Labcorp
Classification: Likely benign for Multiple endocrine neoplasia, type 1. Last evaluated: 2026-01-20. Review status: criteria provided, single submitter. Criteria: Invitae Variant Classification Sherloc (09022015). Collection method: clinical testing. Allele origin: germline.

Myriad Genetics, Inc.
Classification: Benign for Multiple endocrine neoplasia, type 1. Last evaluated: 2024-11-05. Review status: criteria provided, single submitter. Criteria: Myriad Autosomal Dominant, Autosomal Recessive and X-Linked Classification Criteria (2023). Collection method: clinical testing. Allele origin: unknown.
Comment: This variant is considered benign. This variant is a silent/synonymous amino acid change and it is not expected to impact splicing.

Ambry Genetics
Classification: Likely benign for Hereditary cancer-predisposing syndrome. Last evaluated: 2024-10-30. Review status: criteria provided, single submitter. Criteria: Ambry Variant Classification Scheme 2023. Collection method: clinical testing. Allele origin: germline.

All of Us Research Program, National Institutes of Health
Classification: Likely benign for Multiple endocrine neoplasia, type 1. Last evaluated: 2023-04-03. Review status: criteria provided, single submitter. Criteria: ACMG Guidelines, 2015. Collection method: clinical testing. Allele origin: germline. Inheritance: Autosomal dominant inheritance. Observed: 1 variant allele, 1 heterozygote.
Comment: This study involves interpretation of variants in research participants for the purpose of population health screening. Participant phenotype was not available at the time of variant classification. Additional details can be found in publication PMID: 35346344, PMCID: PMC8962531